The following is an entry in ClinVar:

NM_001190467.2(PRR36):c.2856C>A (p.Leu952=)

Genes: PRR36 (proline rich 36; minus strand), LOC112577457 (Sharpr-MPRA regulatory region 8899; plus strand). Cytogenetic location: 19p13.2.
Variant type: single nucleotide variant.
Coding change: c.2856C>A on transcript NM_001190467.2 (MANE Select); coding-DNA position 2856, C replaced by A.
Protein change: p.Leu952=; no amino-acid change (leucine 952 retained).
Molecular consequence: synonymous variant.
Genome position (GRCh38, 1-based): chr19:7,870,388, G>T on the plus strand (C>A on the coding strand, the complement: PRR36 is on the minus strand). VCF-style: chr19-7870388-G-T. GRCh37 (hg19) VCF-style: chr19-7935274-G-T.
Identifiers: ClinVar variation 4821481 (VCV004821481.4).

ClinVar aggregate classification (germline): Likely benign (1 of 4 stars; one submission).

Submission:

CeGaT Center for Human Genetics Tuebingen
Classification: Likely benign. Last evaluated: 2026-03-01. Review status: criteria provided, single submitter. Criteria: CeGaT Center For Human Genetics Tuebingen Variant Classification Criteria Version 2. Collection method: clinical testing. Allele origin: germline. Affected: yes. Observed: 1 variant allele.
Comment: PRR36: BP4, BP7